The following is an entry in ClinVar:

ClinVar aggregate classification (germline): Uncertain significance (1 of 4 stars; one submission).

Conditions:
Vici syndrome (VICIS). Identifiers: Orphanet 1493, MedGen C1855772, MONDO:0009452, OMIM 242840.

Submission:

Labcorp Genetics (formerly Invitae), Labcorp
Classification: Uncertain significance for Vici syndrome. Last evaluated: 2023-08-11. Review status: criteria provided, single submitter. Criteria: Invitae Variant Classification Sherloc (09022015). Collection method: clinical testing. Allele origin: germline.
Comment: In summary, the available evidence is currently insufficient to determine the role of this variant in disease. Therefore, it has been classified as a Variant of Uncertain Significance. Advanced modeling of protein sequence and biophysical properties (such as structural, functional, and spatial information, amino acid conservation, physicochemical variation, residue mobility, and thermodynamic stability) performed at Invitae indicates that this missense variant is expected to disrupt EPG5 protein function. This variant has not been reported in the literature in individuals affected with EPG5-related conditions. This variant is not present in population databases (gnomAD no frequency). This sequence change replaces asparagine, which is neutral and polar, with aspartic acid, which is acidic and polar, at codon 1119 of the EPG5 protein (p.Asn1119Asp).

NM_020964.3(EPG5):c.3355A>G (p.Asn1119Asp)

Gene: EPG5 (ectopic P-granules 5 autophagy tethering factor; minus strand). Cytogenetic location: 18q21.1.
Variant type: single nucleotide variant.
Coding change: c.3355A>G on transcript NM_020964.3 (MANE Select); coding-DNA position 3355, A replaced by G.
Protein change: p.Asn1119Asp; replaces asparagine 1119 with aspartic acid.
Molecular consequence: missense variant.
Genome position (GRCh38, 1-based): chr18:45,916,467, T>C on the plus strand (A>G on the coding strand, the complement: EPG5 is on the minus strand). VCF-style: chr18-45916467-T-C. GRCh37 (hg19) VCF-style: chr18-43496432-T-C.
Other names: c.3355A>G, p.Asn1119Asp (NM_001410859.1, NM_001410858.1); short protein forms N1119D.
Identifiers: ClinVar variation 2751955 (VCV002751955.3), dbSNP rs2511825745, ClinGen allele CA402342934.